The following is an entry in ClinVar:

ClinVar aggregate classification (germline): Uncertain significance. Review status: criteria provided, multiple submitters, no conflicts (2 of 4 stars). 2 submissions from 2 submitters: Uncertain significance (2). Last evaluated 2022-11-30.

Conditions:
Hyperphosphatasia with impaired intellectual development syndrome 2. Also called: Hyperphosphatasia with intellectual disability syndrome 2; GLYCOSYLPHOSPHATIDYLINOSITOL BIOSYNTHESIS DEFECT 6. Identifiers: Orphanet 247262, MedGen C3553637, MONDO:0013882, OMIM 614749.

Allele frequency attached by ClinVar (database versions not stated): gnomAD exomes below 0.00001; gnomAD 0.00001; TOPMed 0.00002.
gnomAD v4.1: 3 of 1,614,104 alleles (0.00019%); highest among the groups gnomAD compares: African/African-American, 0.004%; no homozygotes.

Submissions (2):

GeneDx
Classification: Uncertain significance. Last evaluated: 2022-11-30. Review status: criteria provided, single submitter. Criteria: GeneDx Variant Classification Process June 2021. Collection method: clinical testing. Allele origin: germline. Affected: yes.
Comment: Not observed at significant frequency in large population cohorts (gnomAD); In silico analysis supports that this missense variant does not alter protein structure/function; Has not been previously published as pathogenic or benign to our knowledge

Labcorp Genetics (formerly Invitae), Labcorp
Classification: Uncertain significance for Hyperphosphatasia with impaired intellectual development syndrome 2. Last evaluated: 2022-07-26. Review status: criteria provided, single submitter. Criteria: Invitae Variant Classification Sherloc (09022015). Collection method: clinical testing. Allele origin: germline.
Comment: This sequence change replaces cysteine, which is neutral and slightly polar, with tyrosine, which is neutral and polar, at codon 931 of the PIGO protein (p.Cys931Tyr). This variant is not present in population databases (gnomAD no frequency). This variant has not been reported in the literature in individuals affected with PIGO-related conditions. ClinVar contains an entry for this variant (Variation ID: 1450312). Algorithms developed to predict the effect of missense changes on protein structure and function (SIFT, PolyPhen-2, Align-GVGD) all suggest that this variant is likely to be tolerated. In summary, the available evidence is currently insufficient to determine the role of this variant in disease. Therefore, it has been classified as a Variant of Uncertain Significance.

NM_032634.4(PIGO):c.2792G>A (p.Cys931Tyr)

Gene: PIGO (phosphatidylinositol glycan anchor biosynthesis class O; minus strand). Cytogenetic location: 9p13.3.
Variant type: single nucleotide variant.
Coding change: c.2792G>A on transcript NM_032634.4 (MANE Select); coding-DNA position 2792, G replaced by A.
Protein change: p.Cys931Tyr; replaces cysteine 931 with tyrosine.
Molecular consequence: missense variant.
Genome position (GRCh38, 1-based): chr9:35,090,528, C>T on the plus strand (G>A on the coding strand, the complement: PIGO is on the minus strand). VCF-style: chr9-35090528-C-T. GRCh37 (hg19) VCF-style: chr9-35090525-C-T.
Other names: c.1541G>A, p.Cys514Tyr (NM_001201484.2, NM_152850.4); c.2792G>A (NM_032634.3); short protein forms C514Y, C931Y.
Identifiers: ClinVar variation 1450312 (VCV001450312.3), dbSNP rs891303491, ClinGen allele CA192708760.